The following is an entry in ClinVar:

NM_206933.4(USH2A):c.15465del (p.Val5156fs)

Gene: USH2A (usherin; minus strand). Cytogenetic location: 1q41.
Variant type: Deletion.
Coding change: c.15465del on transcript NM_206933.4 (MANE Select); coding-DNA position 15465, one base deleted (A; older notation c.15465delA).
Protein change: p.Val5156fs; shifts the reading frame from valine 5156.
Molecular consequence: frameshift variant.
Genome position (GRCh38, 1-based): chr1:215,628,868, T deleted on the plus strand (A on the coding strand, the reverse complement: USH2A is on the minus strand); the first of 3 consecutive T bases (chr1:215,628,868-215,628,870); deleting any one gives the same sequence. VCF-style (leftmost placement, unchanged base first): chr1-215628867-CT-C. GRCh37 (hg19) VCF-style: chr1-215802209-CT-C.
Other names: short protein forms V5156fs.
Identifiers: ClinVar variation 1354411 (VCV001354411.6), dbSNP rs769582796, ClinGen allele CA1392673.

ClinVar aggregate classification (germline): Pathogenic (1 of 4 stars; one submission).

Submission:

Labcorp Genetics (formerly Invitae), Labcorp
Classification: Pathogenic. Last evaluated: 2023-04-08. Review status: criteria provided, single submitter. Criteria: Invitae Variant Classification Sherloc (09022015). Collection method: clinical testing. Allele origin: germline.
Comment: This sequence change creates a premature translational stop signal (p.Val5156Serfs*2) in the USH2A gene. It is expected to result in an absent or disrupted protein product. Loss-of-function variants in USH2A are known to be pathogenic (PMID: 10729113, 10909849, 20507924, 25649381). This variant is present in population databases (rs773117741, gnomAD 0.009%). This variant has not been reported in the literature in individuals affected with USH2A-related conditions. ClinVar contains an entry for this variant (Variation ID: 1354411). For these reasons, this variant has been classified as Pathogenic.

Literature cited by the submitters: PubMed 10729113; PubMed 10909849; PubMed 20507924; PubMed 25649381.